The following is an entry in ClinVar:

ClinVar aggregate classification (germline): Pathogenic (1 of 4 stars; one submission).

Conditions:
Neurofibromatosis, type 1 (NF1). Also called: NEUROFIBROMATOSIS, TYPE I, SOMATIC; Neurofibromatosis, type I; Peripheral type neurofibromatosis; VON RECKLINGHAUSEN DISEASE. Identifiers: Orphanet 636, MedGen C0027831, MONDO:0018975, OMIM 162200. Disease mechanism: loss of function.

Submission:

Labcorp Genetics (formerly Invitae), Labcorp
Classification: Pathogenic for Neurofibromatosis, type 1. Last evaluated: 2022-09-06. Review status: criteria provided, single submitter. Criteria: Invitae Variant Classification Sherloc (09022015). Collection method: clinical testing. Allele origin: germline.
Comment: For these reasons, this variant has been classified as Pathogenic. This sequence change creates a premature translational stop signal (p.Val1076Serfs*13) in the NF1 gene. It is expected to result in an absent or disrupted protein product. Loss-of-function variants in NF1 are known to be pathogenic (PMID: 10712197, 23913538). This variant is not present in population databases (gnomAD no frequency). This variant has not been reported in the literature in individuals affected with NF1-related conditions.

Literature cited by the submitters: PubMed 10712197; PubMed 23913538.

NM_001042492.3(NF1):c.3225dup (p.Val1076fs)

Gene: NF1 (neurofibromin 1; plus strand). Cytogenetic location: 17q11.2.
Variant type: Duplication.
Coding change: c.3225dup on transcript NM_001042492.3 (MANE Select); coding-DNA position 3225, one base duplicated (A; older notation c.3225dupA).
Protein change: p.Val1076fs; shifts the reading frame from valine 1076.
Molecular consequence: frameshift variant.
Genome position (GRCh38, 1-based): chr17:31,232,100, A duplicated. VCF-style (leftmost placement, unchanged base first): chr17-31232099-C-CA. GRCh37 (hg19) VCF-style: chr17-29559117-C-CA.
Other names: c.3225dup, p.Val1076Serfs (NM_000267.4); short protein forms V1076fs.
Identifiers: ClinVar variation 2028265 (VCV002028265.4), dbSNP rs2508223680, ClinGen allele CA2580092952.